The following is an entry in ClinVar:

NM_004973.4(JARID2):c.3524G>A (p.Cys1175Tyr)

Gene: JARID2 (jumonji and AT-rich interaction domain containing 2; plus strand). Cytogenetic location: 6p22.3.
Variant type: single nucleotide variant.
Coding change: c.3524G>A on transcript NM_004973.4 (MANE Select); coding-DNA position 3524, G replaced by A.
Protein change: p.Cys1175Tyr; replaces cysteine 1175 with tyrosine.
Molecular consequence: missense variant.
Genome position (GRCh38, 1-based): chr6:15,517,234, G>A. VCF-style: chr6-15517234-G-A. GRCh37 (hg19) VCF-style: chr6-15517465-G-A.
Other names: c.3008G>A, p.Cys1003Tyr (NM_001267040.1); short protein forms C1003Y, C1175Y.
Identifiers: ClinVar variation 5010083 (VCV005010083.1).

ClinVar aggregate classification (germline): Uncertain significance (1 of 4 stars; one submission).

Submission:

GeneDx
Classification: Uncertain significance. Last evaluated: 2026-03-03. Review status: criteria provided, single submitter. Criteria: GeneDx Variant Classification Process June 2021. Collection method: clinical testing. Allele origin: germline.
Comment: Not observed at significant frequency in large population cohorts (gnomAD); In silico analysis supports that this missense variant has a deleterious effect on protein structure/function; Has not been previously published as pathogenic or benign to our knowledge